The following is an entry in ClinVar:

NM_000092.5(COL4A4):c.2063del (p.Lys688fs)

Gene: COL4A4 (collagen type IV alpha 4 chain; minus strand). Cytogenetic location: 2q36.3.
Variant type: Deletion.
Coding change: c.2063del on transcript NM_000092.5 (MANE Select); coding-DNA position 2063, one base deleted (A; older notation c.2063delA).
Protein change: p.Lys688fs; shifts the reading frame from lysine 688.
Molecular consequence: frameshift variant.
Genome position (GRCh38, 1-based): chr2:227,060,237, T deleted on the plus strand (A on the coding strand, the reverse complement: COL4A4 is on the minus strand); the first of 2 consecutive T bases (chr2:227,060,237-227,060,238); deleting either gives the same sequence. VCF-style (leftmost placement, unchanged base first): chr2-227060236-CT-C. GRCh37 (hg19) VCF-style: chr2-227924952-CT-C.
Other names: short protein forms K688fs.
Identifiers: ClinVar variation 4292639 (VCV004292639.1).
Genomic context (GRCh38, chr2:227,060,236, plus strand): 5'-TCTGCCTTTATGCCCATCTGAACCACTCAGCCCAGGGGCACCTTGGGGACCTGGAAATCC[CT>C]TCGGACCTAAACAATAATAAAAACAAAACACAGACTCAATAAAACAAAATCTAATGTGAA-3'

ClinVar aggregate classification (germline): Likely pathogenic (1 of 4 stars; one submission).

Conditions:
Autosomal recessive Alport syndrome (ATS2). Also called: Alport syndrome type 2; ALPORT SYNDROME 2, AUTOSOMAL RECESSIVE; COL4A4 Alport Syndrome and Thin Basement Membrane Nephropathy; COL4A3-Related Nephropathy. Identifiers: Orphanet 63, Orphanet 88919, MedGen C4746745, MONDO:0008762, OMIM 203780.

Submission:

3billion
Classification: Likely pathogenic for Autosomal recessive Alport syndrome. Last evaluated: 2024-09-09. Review status: criteria provided, single submitter. Criteria: ACMG Guidelines, 2015. Collection method: clinical testing. Allele origin: germline. Affected: yes.
Comment: The variant is not observed in the gnomAD v4.0.0 dataset. Predicted Consequence/Location: Frameshift: predicted to result in a loss or disruption of normal protein function through nonsense-mediated decay (NMD) or protein truncation. Multiple pathogenic variants are reported downstream of the variant. Therefore, this variant is classified as Likely pathogenic according to the recommendation of ACMG/AMP guideline.